The following is an entry in ClinVar:

NM_001077350.3(NPRL3):c.86A>G (p.Gln29Arg)

Genes: HBA-LCR (alpha-globin locus control region; plus strand), NPRL3 (NPR3 like, GATOR1 complex subunit; minus strand). Cytogenetic location: 16p13.3.
Variant type: single nucleotide variant.
Coding change: c.86A>G on transcript NM_001077350.3 (MANE Select); coding-DNA position 86, A replaced by G.
Protein change: p.Gln29Arg; replaces glutamine 29 with arginine.
Molecular consequence: missense variant. On other transcripts: 5 prime UTR variant (2).
Genome position (GRCh38, 1-based): chr16:138,182, T>C on the plus strand (A>G on the coding strand, the complement: NPRL3 is on the minus strand). VCF-style: chr16-138182-T-C. GRCh37 (hg19) VCF-style: chr16-188181-T-C.
Other names: c.-247A>G (NM_001039476.3); c.-286A>G (NM_001243247.2); c.86A>G, p.Gln29Arg (NM_001243248.2, NM_001243249.2); short protein forms Q29R.
Identifiers: ClinVar variation 4740492 (VCV004740492.1).

ClinVar aggregate classification (germline): Uncertain significance (1 of 4 stars; one submission).

Conditions:
Epilepsy, familial focal, with variable foci 3 (FFEVF3). Identifiers: MedGen C4310708, MONDO:0014925, OMIM 617118.

gnomAD v4.1: 1 of 1,609,242 alleles (0.000062%); highest among the groups gnomAD compares: Non-Finnish European, 0.000085%; no homozygotes.

Submission:

Labcorp Genetics (formerly Invitae), Labcorp
Classification: Uncertain significance for Epilepsy, familial focal, with variable foci 3. Last evaluated: 2025-04-02. Review status: criteria provided, single submitter. Criteria: Invitae Variant Classification Sherloc (09022015). Collection method: clinical testing. Allele origin: germline.
Comment: This sequence change replaces glutamine, which is neutral and polar, with arginine, which is basic and polar, at codon 29 of the NPRL3 protein (p.Gln29Arg). This variant is not present in population databases (gnomAD no frequency). This variant has not been reported in the literature in individuals affected with NPRL3-related conditions. Invitae Evidence Modeling of protein sequence and biophysical properties (such as structural, functional, and spatial information, amino acid conservation, physicochemical variation, residue mobility, and thermodynamic stability) indicates that this missense variant is not expected to disrupt NPRL3 protein function with a negative predictive value of 80%. In summary, the available evidence is currently insufficient to determine the role of this variant in disease. Therefore, it has been classified as a Variant of Uncertain Significance.